The following is an entry in ClinVar:

NM_001999.4(FBN2):c.202G>T (p.Ala68Ser)

Gene: FBN2 (fibrillin 2; minus strand). Cytogenetic location: 5q23.3.
Variant type: single nucleotide variant.
Coding change: c.202G>T on transcript NM_001999.4 (MANE Select); coding-DNA position 202, G replaced by T.
Protein change: p.Ala68Ser; replaces alanine 68 with serine.
Molecular consequence: missense variant.
Genome position (GRCh38, 1-based): chr5:128,537,402, C>A on the plus strand (G>T on the coding strand, the complement: FBN2 is on the minus strand). VCF-style: chr5-128537402-C-A. GRCh37 (hg19) VCF-style: chr5-127873095-C-A.
Other names: short protein forms A68S.
Identifiers: ClinVar variation 213265 (VCV000213265.51), dbSNP rs767317022, ClinGen allele CA320907.

ClinVar aggregate classification (germline): Conflicting classifications of pathogenicity. Review status: criteria provided, conflicting classifications (1 of 4 stars). 4 submissions from 4 submitters: Uncertain significance (2); Likely benign (2). Last evaluated 2025-09-29.

Conditions:
Congenital contractural arachnodactyly (CCA). Also called: BEALS SYNDROME; Beals-Hecht syndrome; Arthrogryposis, distal, type 9. Identifiers: Orphanet 115, MedGen C0220668, MONDO:0007363, OMIM 121050.
Familial thoracic aortic aneurysm and aortic dissection (TAAD). Also called: Thoracic aortic aneurysms and dissections. Identifiers: Orphanet 91387, MedGen C4707243, MONDO:0019625.

Allele frequency attached by ClinVar (database versions not stated): gnomAD exomes 0.00001; ExAC 0.00002; TOPMed 0.00002; gnomAD 0.00003 and 0.00004.
gnomAD v4.1: 19 of 1,610,180 alleles (0.0012%); highest among the groups gnomAD compares: Non-Finnish European, 0.0016%; 1 homozygote.

Submissions (4):

Labcorp Genetics (formerly Invitae), Labcorp
Classification: Likely benign for Congenital contractural arachnodactyly. Last evaluated: 2025-09-29. Review status: criteria provided, single submitter. Criteria: Invitae Variant Classification Sherloc (09022015). Collection method: clinical testing. Allele origin: germline.

Ambry Genetics
Classification: Likely benign for Familial thoracic aortic aneurysm and aortic dissection. Last evaluated: 2024-03-05. Review status: criteria provided, single submitter. Criteria: Ambry Variant Classification Scheme 2023. Collection method: clinical testing. Allele origin: germline.

GeneDx
Classification: Uncertain significance. Last evaluated: 2021-02-12. Review status: criteria provided, single submitter. Criteria: GeneDx Variant Classification Process June 2021. Collection method: clinical testing. Allele origin: germline. Affected: yes.
Comment: Has not been previously published as pathogenic or benign to our knowledge; Not observed at a significant frequency in large population cohorts (Lek et al., 2016); In silico analysis, which includes protein predictors and evolutionary conservation, supports that this variant does not alter protein structure/function; Does not affect a cysteine residue within a calcium-binding EGF-like domain of the FBN2 gene; cysteine substitutions in the calcium-binding EGF-like domains represent the majority of pathogenic missense changes associated with FBN2-related disorders (Collod-Beroud et al., 2003; Frederic et al., 2009); Reported in ClinVar as a variant of uncertain significance (ClinVar Variant ID# 213265; Landrum et al., 2016)

CeGaT Center for Human Genetics Tuebingen
Classification: Uncertain significance. Last evaluated: 2020-01-01. Review status: criteria provided, single submitter. Criteria: CeGaT Center For Human Genetics Tuebingen Variant Classification Criteria Version 2. Collection method: clinical testing. Allele origin: germline. Affected: yes. Observed: 1 variant allele.